The following is an entry in ClinVar:

ClinVar aggregate classification (germline): Uncertain significance (1 of 4 stars; one submission).

Conditions:
Emery-Dreifuss muscular dystrophy 5, autosomal dominant (EDMD5). Also called: EMERY-DREIFUSS MUSCULAR DYSTROPHY 5. Identifiers: Orphanet 261, MedGen C2751805, MONDO:0013072, OMIM 612999.

gnomAD v4.1: 3 of 1,614,096 alleles (0.00019%); highest among the groups gnomAD compares: Non-Finnish European, 0.00017%; no homozygotes.

Submission:

Labcorp Genetics (formerly Invitae), Labcorp
Classification: Uncertain significance for Emery-Dreifuss muscular dystrophy 5, autosomal dominant. Last evaluated: 2026-01-13. Review status: criteria provided, single submitter. Criteria: Invitae Variant Classification Sherloc (09022015). Collection method: clinical testing. Allele origin: germline.
Comment: This sequence change replaces threonine, which is neutral and polar, with arginine, which is basic and polar, at codon 2367 of the SYNE2 protein (p.Thr2367Arg). This variant is not present in population databases (gnomAD no frequency). This variant has not been reported in the literature in individuals affected with SYNE2-related conditions. An algorithm developed to predict the effect of missense changes on protein structure and function (PolyPhen-2) suggests that this variant is likely to be tolerated. In summary, the available evidence is currently insufficient to determine the role of this variant in disease. Therefore, it has been classified as a Variant of Uncertain Significance.

NM_182914.3(SYNE2):c.7100C>G (p.Thr2367Arg)

Gene: SYNE2 (spectrin repeat containing nuclear envelope protein 2; plus strand). Cytogenetic location: 14q23.2.
Variant type: single nucleotide variant.
Coding change: c.7100C>G on transcript NM_182914.3 (MANE Select); coding-DNA position 7100, C replaced by G.
Protein change: p.Thr2367Arg; replaces threonine 2367 with arginine.
Molecular consequence: missense variant.
Genome position (GRCh38, 1-based): chr14:64,031,236, C>G. VCF-style: chr14-64031236-C-G. GRCh37 (hg19) VCF-style: chr14-64497954-C-G.
Other names: c.7100C>G, p.Thr2367Arg (NM_015180.6); short protein forms T2367R.
Identifiers: ClinVar variation 4754424 (VCV004754424.1).